The following is an entry in ClinVar:

ClinVar aggregate classification (germline): Pathogenic (1 of 4 stars; one submission).

Conditions:
Neuromuscular disease caused by qualitative or quantitative defects of dysferlin. Also called: Qualitative or quantitative defects of dysferlin; Dysferlinopathy. Identifiers: Orphanet 207073, MedGen C2931687, MONDO:0016145.

Submission:

Labcorp Genetics (formerly Invitae), Labcorp
Classification: Pathogenic for Neuromuscular disease caused by qualitative or quantitative defects of dysferlin. Last evaluated: 2022-09-22. Review status: criteria provided, single submitter. Criteria: Invitae Variant Classification Sherloc (09022015). Collection method: clinical testing. Allele origin: germline.
Comment: For these reasons, this variant has been classified as Pathogenic. This variant has not been reported in the literature in individuals affected with DYSF-related conditions. This variant is not present in population databases (gnomAD no frequency). This sequence change creates a premature translational stop signal (p.Gln1775*) in the DYSF gene. It is expected to result in an absent or disrupted protein product. Loss-of-function variants in DYSF are known to be pathogenic (PMID: 17698709, 20301480).

Literature cited by the submitters: PubMed 17698709; PubMed 20301480.

NM_001130987.2(DYSF):c.5440C>T (p.Gln1814Ter)

Gene: DYSF (dysferlin; plus strand). Cytogenetic location: 2p13.2.
Variant type: single nucleotide variant.
Coding change: c.5440C>T on transcript NM_001130987.2 (MANE Select); coding-DNA position 5440, C replaced by T.
Protein change: p.Gln1814Ter; replaces glutamine 1814 with a stop codon.
Molecular consequence: nonsense.
Genome position (GRCh38, 1-based): chr2:71,667,498, C>T. VCF-style: chr2-71667498-C-T. GRCh37 (hg19) VCF-style: chr2-71894628-C-T.
Other names: c.5326C>T, p.Gln1776Ter (NM_001130455.2); c.5281C>T, p.Gln1761Ter (NM_001130976.2); c.5344C>T, p.Gln1782Ter (NM_001130977.2); c.5386C>T, p.Gln1796Ter (NM_001130978.2); c.5416C>T, p.Gln1806Ter (NM_001130979.2); c.5374C>T, p.Gln1792Ter (NM_001130980.2); c.5437C>T, p.Gln1813Ter (NM_001130981.2); c.5419C>T, p.Gln1807Ter (NM_001130982.2); and 5 more; short protein forms Q1782*, Q1792*, Q1793*, Q1807*, Q1813*, Q1814*, Q1775*, Q1761*.
Identifiers: ClinVar variation 2028713 (VCV002028713.4), dbSNP rs2546561685, ClinGen allele CA347221467.